The following is an entry in ClinVar:

ClinVar aggregate classification (germline): Benign. Review status: criteria provided, multiple submitters, no conflicts (2 of 4 stars). 3 submissions from 3 submitters: Benign (3). Last evaluated 2024-07-31.

Allele frequency attached by ClinVar (database versions not stated): gnomAD 0.19818 and 0.20173; TOPMed 0.20121; 1000 Genomes Project 0.20627; 1000 Genomes Project 30x 0.21049; gnomAD exomes 0.21403.
gnomAD v4.1: 214,111 of 1,009,800 alleles (21%); highest among the groups gnomAD compares: Admixed American, 33%; 23,968 homozygotes.

Submissions (3):

Unidad de Genómica Garrahan, Hospital de Pediatría Garrahan
Classification: Benign. Last evaluated: 2024-07-31. Review status: criteria provided, single submitter. Criteria: ACMG Guidelines, 2015. Collection method: clinical testing. Allele origin: germline. Affected: no. Observed: 35 variant alleles.
Comment: This variant is classified as Benign based on local population frequency. This variant was detected in 38% of patients studied in a panel designed for Epileptic and Developmental Encephalopathy, Progressive Myoclonus Epilepsy and Abnormal Movements and Neurodegeneration with brain iron accumulation. Number of patients: 35. Only high quality variants are reported.

GeneDx
Classification: Benign. Last evaluated: 2018-07-30. Review status: criteria provided, single submitter. Criteria: GeneDx Variant Classification Process June 2021. Collection method: clinical testing. Allele origin: germline. Affected: yes.

Breakthrough Genomics
Classification: Benign. Review status: criteria provided, single submitter. Criteria: ACMG Guidelines, 2015. Collection method: not provided. Allele origin: germline. Inheritance: Autosomal recessive inheritance. Affected: yes.

NM_025000.4(DCAF17):c.1092-75C>T

Gene: DCAF17 (DDB1 and CUL4 associated factor 17; plus strand). Cytogenetic location: 2q31.1.
Variant type: single nucleotide variant.
Coding change: c.1092-75C>T on transcript NM_025000.4 (MANE Select); 75 bases into the intron before coding-DNA position 1092, C replaced by T.
Molecular consequence: intron variant.
Genome position (GRCh38, 1-based): chr2:171,476,785, C>T. VCF-style: chr2-171476785-C-T. GRCh37 (hg19) VCF-style: chr2-172333295-C-T.
Other names: c.982-1202C>T (NM_001164821.2).
Identifiers: ClinVar variation 1286351 (VCV001286351.4), dbSNP rs4668387, ClinGen allele CA15166920.